The following is an entry in ClinVar:

ClinVar aggregate classification (germline): Uncertain significance (1 of 4 stars; one submission).

Conditions:
Kabuki syndrome 2 (KABUK2). Also called: KDM6A-Related Kabuki Syndrome. Identifiers: Orphanet 2322, MedGen C3275495, MONDO:0010465, OMIM 300867.

gnomAD v4.1: 1 of 1,210,791 alleles (0.000083%); highest among the groups gnomAD compares: Non-Finnish European, 0.00011%; no homozygotes.

Submission:

Labcorp Genetics (formerly Invitae), Labcorp
Classification: Uncertain significance for Kabuki syndrome 2. Last evaluated: 2024-04-27. Review status: criteria provided, single submitter. Criteria: Invitae Variant Classification Sherloc (09022015). Collection method: clinical testing. Allele origin: germline.
Comment: This sequence change replaces valine, which is neutral and non-polar, with leucine, which is neutral and non-polar, at codon 1000 of the KDM6A protein (p.Val1000Leu). This variant is not present in population databases (gnomAD no frequency). This variant has not been reported in the literature in individuals affected with KDM6A-related conditions. Advanced modeling of protein sequence and biophysical properties (such as structural, functional, and spatial information, amino acid conservation, physicochemical variation, residue mobility, and thermodynamic stability) has been performed at Invitae for this missense variant, however the output from this modeling did not meet the statistical confidence thresholds required to predict the impact of this variant on KDM6A protein function. In summary, the available evidence is currently insufficient to determine the role of this variant in disease. Therefore, it has been classified as a Variant of Uncertain Significance.

NM_001291415.2(KDM6A):c.3154G>T (p.Val1052Leu)

Gene: KDM6A (lysine demethylase 6A; plus strand). Cytogenetic location: Xp11.3.
Variant type: single nucleotide variant.
Coding change: c.3154G>T on transcript NM_001291415.2 (MANE Select); coding-DNA position 3154, G replaced by T.
Protein change: p.Val1052Leu; replaces valine 1052 with leucine.
Molecular consequence: missense variant. On other transcripts: non-coding transcript variant (1).
Genome position (GRCh38, 1-based): chrX:45,079,205, G>T. VCF-style: chrX-45079205-G-T. GRCh37 (hg19) VCF-style: chrX-44938450-G-T.
Other names: c.3019G>T, p.Val1007Leu (NM_001291416.2, NM_001419811.1); c.2863G>T, p.Val955Leu (NM_001291417.2); c.2761G>T, p.Val921Leu (NM_001291418.2, NM_001419815.1); c.2110G>T, p.Val704Leu (NM_001291421.2); c.2896G>T, p.Val966Leu (NM_001410742.1, NM_001419814.1); c.3154G>T, p.Val1052Leu (NM_001419809.1); c.3052G>T, p.Val1018Leu (NM_001419810.1, NM_001419813.1); c.2998G>T, p.Val1000Leu (NM_001419812.1, NM_021140.4); short protein forms V1052L, V966L, V1000L, V921L, V1007L, V1018L, V955L, V704L.
Identifiers: ClinVar variation 3651397 (VCV003651397.2).